The following is an entry in ClinVar:

NM_000487.6(ARSA):c.482T>C (p.Leu161Pro)

Gene: ARSA (arylsulfatase A; minus strand). Cytogenetic location: 22q13.33.
Variant type: single nucleotide variant.
Coding change: c.482T>C on transcript NM_000487.6 (MANE Select); coding-DNA position 482, T replaced by C.
Protein change: p.Leu161Pro; replaces leucine 161 with proline.
Molecular consequence: missense variant.
Genome position (GRCh38, 1-based): chr22:50,627,036, A>G on the plus strand (T>C on the coding strand, the complement: ARSA is on the minus strand). VCF-style: chr22-50627036-A-G. GRCh37 (hg19) VCF-style: chr22-51065464-A-G.
Other names: c.482T>C, p.Leu161Pro (NM_001085425.3, NM_001085426.3, NM_001085427.3); c.224T>C, p.Leu75Pro (NM_001085428.3, NM_001362782.2); short protein forms L75P, L161P.
Identifiers: ClinVar variation 4737666 (VCV004737666.1).

ClinVar aggregate classification (germline): Likely pathogenic (1 of 4 stars; one submission).

Conditions:
Metachromatic leukodystrophy (MLD). Also called: SULFATIDE LIPIDOSIS; Cerebral sclerosis diffuse metachromatic form; ARSA DEFICIENCY; CEREBROSIDE SULFATASE DEFICIENCY; METACHROMATIC LEUKOENCEPHALOPATHY; Arylsulfatase A Deficiency. Identifiers: Orphanet 512, MedGen C0023522, MONDO:0018868, OMIM 250100.

Submission:

Labcorp Genetics (formerly Invitae), Labcorp
Classification: Likely pathogenic for Metachromatic leukodystrophy. Last evaluated: 2025-03-19. Review status: criteria provided, single submitter. Criteria: Invitae Variant Classification Sherloc (09022015). Collection method: clinical testing. Allele origin: germline.
Comment: This sequence change replaces leucine, which is neutral and non-polar, with proline, which is neutral and non-polar, at codon 161 of the ARSA protein (p.Leu161Pro). This variant is not present in population databases (gnomAD no frequency). This missense change has been observed in individual(s) with metachromatic leukodystrophy (PMID: 30057904). In at least one individual the data is consistent with being in trans (on the opposite chromosome) from a pathogenic variant. Invitae Evidence Modeling of protein sequence and biophysical properties (such as structural, functional, and spatial information, amino acid conservation, physicochemical variation, residue mobility, and thermodynamic stability) indicates that this missense variant is expected to disrupt ARSA protein function with a positive predictive value of 95%. In summary, the currently available evidence indicates that the variant is pathogenic, but additional data are needed to prove that conclusively. Therefore, this variant has been classified as Likely Pathogenic.

Literature cited by the submitters: PubMed 30057904.